The following is an entry in ClinVar:

ClinVar aggregate classification (germline): Pathogenic (1 of 4 stars; one submission).

Submission:

Labcorp Genetics (formerly Invitae), Labcorp
Classification: Pathogenic. Last evaluated: 2023-09-20. Review status: criteria provided, single submitter. Criteria: Invitae Variant Classification Sherloc (09022015). Collection method: clinical testing. Allele origin: germline.
Comment: This sequence change creates a premature translational stop signal (p.Ala21Profs*9) in the KCNQ4 gene. It is expected to result in an absent or disrupted protein product. Loss-of-function variants in KCNQ4 are known to be pathogenic (PMID: 23717403). The frequency data for this variant in the population databases is considered unreliable, as metrics indicate insufficient coverage at this position in the gnomAD database. This variant has not been reported in the literature in individuals affected with KCNQ4-related conditions. For these reasons, this variant has been classified as Pathogenic.

Literature cited by the submitters: PubMed 23717403.

NM_004700.4(KCNQ4):c.44_60dup (p.Ala21fs)

Gene: KCNQ4 (potassium voltage-gated channel subfamily Q member 4; plus strand). Cytogenetic location: 1p34.2.
Variant type: Duplication.
Coding change: c.44_60dup on transcript NM_004700.4 (MANE Select); coding-DNA positions 44 to 60, 17 bases duplicated (CCGGGGACGCCCCCCGC).
Protein change: p.Ala21fs; shifts the reading frame from alanine 21.
Molecular consequence: frameshift variant.
Genome position (GRCh38, 1-based): chr1:40,784,137-40,784,153, CCGGGGACGCCCCCCGC duplicated; duplicating any 17 consecutive bases within chr1:40,784,130-40,784,153 gives the same sequence; the c. name uses the placement nearest the transcript's 3' end. VCF-style (leftmost placement, unchanged base first): chr1-40784129-T-TCCCCCGCCCGGGGACGC. GRCh37 (hg19) VCF-style: chr1-41249801-T-TCCCCCGCCCGGGGACGC.
Other names: c.44_60dup, p.Ala21fs (NM_172163.3); short protein forms A21fs.
Identifiers: ClinVar variation 2993508 (VCV002993508.3), dbSNP rs1647180436, ClinGen allele CA1164531087.